The following is an entry in ClinVar:

NM_001009931.3(HRNR):c.3261G>C (p.Ser1087=)

Genes: CCDST (cervical cancer associated DHX9 suppressive transcript; plus strand), HRNR (hornerin; minus strand). Cytogenetic location: 1q21.3.
Variant type: single nucleotide variant.
Coding change: c.3261G>C on transcript NM_001009931.3 (MANE Select); coding-DNA position 3261, G replaced by C.
Protein change: p.Ser1087=; no amino-acid change (serine 1087 retained).
Molecular consequence: synonymous variant.
Genome position (GRCh38, 1-based): chr1:152,218,368, C>G on the plus strand (G>C on the coding strand, the complement: HRNR is on the minus strand). VCF-style: chr1-152218368-C-G. GRCh37 (hg19) VCF-style: chr1-152190844-C-G.
Identifiers: ClinVar variation 4872856 (VCV004872856.2).

ClinVar aggregate classification (germline): Likely benign (1 of 4 stars; one submission).

Submission:

CeGaT Center for Human Genetics Tuebingen
Classification: Likely benign. Last evaluated: 2026-06-01. Review status: criteria provided, single submitter. Criteria: CeGaT Center For Human Genetics Tuebingen Variant Classification Criteria Version 2. Collection method: clinical testing. Allele origin: germline. Affected: yes. Observed: 1 variant allele.
Comment: HRNR: BP4, BP7